The following is an entry in ClinVar:

ClinVar aggregate classification (germline): Uncertain significance (1 of 4 stars; one submission).

Conditions:
Autoimmune interstitial lung disease-arthritis syndrome. Also called: Autoinflammation and autoimmunity, systemic, with immune dysregulation. Identifiers: Orphanet 444092, MedGen C5975714, MONDO:0014629.

Submission:

Labcorp Genetics (formerly Invitae), Labcorp
Classification: Uncertain significance for Autoimmune interstitial lung disease-arthritis syndrome. Last evaluated: 2021-03-10. Review status: criteria provided, single submitter. Criteria: Invitae Variant Classification Sherloc (09022015). Collection method: clinical testing. Allele origin: germline.
Comment: This sequence change replaces glycine with serine at codon 995 of the COPA protein (p.Gly995Ser). The glycine residue is moderately conserved and there is a small physicochemical difference between glycine and serine. This variant is not present in population databases (ExAC no frequency). This variant has not been reported in the literature in individuals with COPA-related conditions. Advanced modeling of protein sequence and biophysical properties (such as structural, functional, and spatial information, amino acid conservation, physicochemical variation, residue mobility, and thermodynamic stability) performed at Invitae indicates that this missense variant is not expected to disrupt COPA protein function. In summary, the available evidence is currently insufficient to determine the role of this variant in disease. Therefore, it has been classified as a Variant of Uncertain Significance.

NM_004371.4(COPA):c.2983G>A (p.Gly995Ser)

Gene: COPA (coat protein complex I subunit alpha; minus strand). Cytogenetic location: 1q23.2.
Variant type: single nucleotide variant.
Coding change: c.2983G>A on transcript NM_004371.4 (MANE Select); coding-DNA position 2983, G replaced by A.
Protein change: p.Gly995Ser; replaces glycine 995 with serine.
Molecular consequence: missense variant.
Genome position (GRCh38, 1-based): chr1:160,292,176, C>T on the plus strand (G>A on the coding strand, the complement: COPA is on the minus strand). VCF-style: chr1-160292176-C-T. GRCh37 (hg19) VCF-style: chr1-160261966-C-T.
Other names: c.3010G>A, p.Gly1004Ser (NM_001098398.2); short protein forms G995S, G1004S.
Identifiers: ClinVar variation 1431819 (VCV001431819.8), dbSNP rs2101820932, ClinGen allele CA343272490.
Genomic context (GRCh38, chr1:160,292,176, plus strand): 5'-GGTAGCACAGCTGCAACCGTTGGATGAGGTCATTAAGCTTCAGGCCCACAGCTGGTACAC[C>T]ATTCTTCAGCCCTGCATCCTTCCTGGAAAGGGAAAAGTAGGAAGAAGACAGGATAGTCAG-3'
Protein context (NP_004362.2, residues 985-1005): RNWKDAGLKN[Gly995Ser]VPAVGLKLND